The following is an entry in ClinVar:

ClinVar aggregate classification (germline): Uncertain significance (1 of 4 stars; one submission).

Allele frequency attached by ClinVar (database versions not stated): gnomAD 0.00003; gnomAD exomes 0.00003; ESP Exome Variant Server 0.00008; ExAC 0.00002; TOPMed 0.00002.

Submission:

Labcorp Genetics (formerly Invitae), Labcorp
Classification: Uncertain significance. Last evaluated: 2023-12-22. Review status: criteria provided, single submitter. Criteria: Invitae Variant Classification Sherloc (09022015). Collection method: clinical testing. Allele origin: germline.
Comment: This variant, c.478_480del, results in the deletion of 1 amino acid(s) of the UPB1 protein (p.Met160del), but otherwise preserves the integrity of the reading frame. This variant is present in population databases (rs750152829, gnomAD 0.02%). This variant has not been reported in the literature in individuals affected with UPB1-related conditions. ClinVar contains an entry for this variant (Variation ID: 1907955). Experimental studies and prediction algorithms are not available or were not evaluated, and the functional significance of this variant is currently unknown. In summary, the available evidence is currently insufficient to determine the role of this variant in disease. Therefore, it has been classified as a Variant of Uncertain Significance.

NM_016327.3(UPB1):c.478_480del (p.Met160del)

Gene: UPB1 (beta-ureidopropionase 1; plus strand). Cytogenetic location: 22q11.23.
Variant type: Deletion.
Coding change: c.478_480del on transcript NM_016327.3 (MANE Select); coding-DNA positions 478 to 480, 3 bases deleted (ATG; older notation c.478_480delATG).
Protein change: p.Met160del; deletes methionine 160.
Molecular consequence: inframe deletion.
Genome position (GRCh38, 1-based): chr22:24,513,342-24,513,344, ATG deleted. VCF-style (leftmost placement, unchanged base first): chr22-24513341-CATG-C. GRCh37 (hg19) VCF-style: chr22-24909309-CATG-C.
Other names: short protein forms M160del.
Identifiers: ClinVar variation 1907955 (VCV001907955.5), dbSNP rs750152829, ClinGen allele CA10153248.